The following is an entry in ClinVar:

ClinVar aggregate classification (germline): Likely benign (1 of 4 stars; one submission).

Allele frequency attached by ClinVar (database versions not stated): 1000 Genomes Project 30x 0.00021; 1000 Genomes Project 0.00026; gnomAD 0.00032; TOPMed 0.00034; gnomAD exomes 0.00047; ExAC 0.00049; ESP Exome Variant Server 0.00057.
gnomAD v4.1: 550 of 1,202,344 alleles (0.046%); highest among the groups gnomAD compares: Middle Eastern, 0.23%; no homozygotes.

Submission:

CeGaT Center for Human Genetics Tuebingen
Classification: Likely benign. Last evaluated: 2022-12-01. Review status: criteria provided, single submitter. Criteria: CeGaT Center For Human Genetics Tuebingen Variant Classification Criteria Version 2. Collection method: clinical testing. Allele origin: germline. Affected: yes. Observed: 1 variant allele.
Comment: ARSF: BP4, BP7, BS2

NM_001201539.2(ARSF):c.1308C>T (p.Asn436=)

Gene: ARSF (arylsulfatase F; plus strand). Cytogenetic location: Xp22.33.
Variant type: single nucleotide variant.
Coding change: c.1308C>T on transcript NM_001201539.2 (MANE Select); coding-DNA position 1308, C replaced by T.
Protein change: p.Asn436=; no amino-acid change (asparagine 436 retained).
Molecular consequence: synonymous variant.
Genome position (GRCh38, 1-based): chrX:3,110,170, C>T. VCF-style: chrX-3110170-C-T. GRCh37 (hg19) VCF-style: chrX-3028211-C-T.
Other names: c.1308C>T, p.Asn436= (NM_001201538.2, NM_004042.5).
Identifiers: ClinVar variation 2659873 (VCV002659873.24), dbSNP rs147511187, ClinGen allele CA10339103.